The following is an entry in ClinVar:

NM_001349206.2(LPIN1):c.2382C>T (p.Ser794=)

Gene: LPIN1 (lipin 1; plus strand). Cytogenetic location: 2p25.1.
Variant type: single nucleotide variant.
Coding change: c.2382C>T on transcript NM_001349206.2 (MANE Select); coding-DNA position 2382, C replaced by T.
Protein change: p.Ser794=; no amino-acid change (serine 794 retained).
Molecular consequence: synonymous variant. On other transcripts: non-coding transcript variant (1).
Genome position (GRCh38, 1-based): chr2:11,815,220, C>T. VCF-style: chr2-11815220-C-T. GRCh37 (hg19) VCF-style: chr2-11955346-C-T.
Other names: c.2292C>T, p.Ser764= (NM_001261427.3); c.2529C>T, p.Ser843= (NM_001261428.3); c.2274C>T, p.Ser758= (NM_001349199.2, NM_145693.4); c.2352C>T, p.Ser784= (NM_001349200.2, NM_001349201.2); c.2379C>T, p.Ser793= (NM_001349202.2, NM_001349203.2); c.2382C>T, p.Ser794= (NM_001349204.2, NM_001349205.2); c.2472C>T, p.Ser824= (NM_001349207.2); c.2421C>T, p.Ser807= (NM_001349208.2); and 1 more.
Identifiers: ClinVar variation 2061543 (VCV002061543.6), dbSNP rs140332663, ClinGen allele CA1534081.

ClinVar aggregate classification (germline): Likely benign. Review status: criteria provided, single submitter (1 of 4 stars). 2 submissions from 2 submitters: Likely benign (1). 1 of the submissions does not count toward it. Last evaluated 2025-04-17.

Conditions:
LPIN1-related disorder. Also called: LPIN1-related condition.

Allele frequency attached by ClinVar (database versions not stated): gnomAD exomes below 0.00001; ExAC 0.00001; gnomAD 0.00006; TOPMed 0.00006; ESP Exome Variant Server 0.00015.
gnomAD v4.1: 17 of 1,613,982 alleles (0.0011%); highest among the groups gnomAD compares: African/African-American, 0.019%; no homozygotes.

Submissions (2):

Labcorp Genetics (formerly Invitae), Labcorp
Classification: Likely benign. Last evaluated: 2025-04-17. Review status: criteria provided, single submitter. Criteria: Invitae Variant Classification Sherloc (09022015). Collection method: clinical testing. Allele origin: germline.

PreventionGenetics, part of Exact Sciences
Classification: Likely benign for LPIN1-related condition. Last evaluated: 2019-03-06. Review status: no assertion criteria provided. Collection method: clinical testing. Allele origin: germline. Not counted in ClinVar's aggregate classification.
Comment: This variant is classified as likely benign based on ACMG/AMP sequence variant interpretation guidelines (Richards et al. 2015 PMID: 25741868, with internal and published modifications).